The following is an entry in ClinVar:

ClinVar aggregate classification (germline): Pathogenic (1 of 4 stars; one submission).

Submission:

GeneKor MSA
Classification: Pathogenic. Last evaluated: 2020-01-01. Review status: criteria provided, single submitter. Criteria: ACMG Guidelines, 2015. Collection method: clinical testing. Allele origin: germline.
Comment: This sequence change inserts one nucleotide in exon 10 of the BRCA1 mRNA (c.849dupA), causing a frameshift at codon 284. This creates a premature translational stop signal 3 amino acid residues later p.(Gln284Thrfs*3) and is expected to result in an absent or disrupted protein product. To our knowledge, this variant has not been described in the bibliography. However, truncating mutations in the BRCA1 gene are known to be pathogenic.

NM_007294.4(BRCA1):c.849dup (p.Gln284fs)

Gene: BRCA1 (BRCA1 DNA repair associated; minus strand). Cytogenetic location: 17q21.31.
Variant type: Duplication.
Coding change: c.849dup on transcript NM_007294.4 (MANE Select); coding-DNA position 849, one base duplicated (A; older notation c.849dupA).
Protein change: p.Gln284fs; shifts the reading frame from glutamine 284.
Molecular consequence: frameshift variant. On other transcripts: 5 prime UTR variant (2), intron variant (137).
Genome position (GRCh38, 1-based): chr17:43,094,682, T duplicated on the plus strand (A on the coding strand, the reverse complement: BRCA1 is on the minus strand). VCF-style (leftmost placement, unchanged base first): chr17-43094681-G-GT. GRCh37 (hg19) VCF-style: chr17-41246698-G-GT.
Other names: c.849dupA (NM_007294.3); c.636dup, p.Gln213fs (NM_001407571.1, NM_001407853.1, NM_001407894.1 and 9 more transcripts); c.849dup, p.Gln284fs (NM_001407581.1, NM_001407582.1, NM_001407583.1 and 30 more transcripts); c.846dup, p.Gln283fs (NM_001407587.1, NM_001407590.1, NM_001407591.1 and 22 more transcripts); c.840dup, p.Gln281fs (NM_001407646.1, NM_001407647.1); c.726dup, p.Gln243fs (NM_001407648.1, NM_001407664.1, NM_001407665.1 and 19 more transcripts); c.723dup, p.Gln242fs (NM_001407649.1, NM_001407670.1, NM_001407671.1 and 11 more transcripts); c.771dup, p.Gln258fs (NM_001407653.1, NM_001407654.1, NM_001407655.1 and 4 more transcripts); and 41 more; short protein forms Q237fs, Q284fs, Q257fs, Q283fs, Q157fs, Q213fs, Q214fs, Q216fs.
Identifiers: ClinVar variation 495088 (VCV000495088.3), dbSNP rs1555592986, ClinGen allele CA658684121.
Genomic context (GRCh38, chr17:43,094,681, plus strand): 5'-ATTCAGCCTTTTCTACATTCATTCTGTCTTTAGTGAGTAATAAACTGCTGTTCTCATGCT[G>GT]TAATGAGCTGGCATGAGTATTTGTGCCACATGGCTCCACATGCAAGTTTGAAACAGAACT-3'